The following is an entry in ClinVar:

NM_000426.4(LAMA2):c.5086G>A (p.Ala1696Thr)

Gene: LAMA2 (laminin subunit alpha 2; plus strand). Cytogenetic location: 6q22.33.
Variant type: single nucleotide variant.
Coding change: c.5086G>A on transcript NM_000426.4 (MANE Select); coding-DNA position 5086, G replaced by A.
Protein change: p.Ala1696Thr; replaces alanine 1696 with threonine.
Molecular consequence: missense variant.
Genome position (GRCh38, 1-based): chr6:129,391,505, G>A. VCF-style: chr6-129391505-G-A. GRCh37 (hg19) VCF-style: chr6-129712650-G-A.
Other names: c.5086G>A, p.Ala1696Thr (NM_001079823.2); short protein forms A1696T.
Identifiers: ClinVar variation 1003717 (VCV001003717.9), dbSNP rs1779317564, ClinGen allele CA365613923.

ClinVar aggregate classification (germline): Uncertain significance (1 of 4 stars; one submission).

Conditions:
LAMA2-related muscular dystrophy (LAMA2-RD). Also called: Laminin alpha 2-related dystrophy. Identifiers: MedGen C5679788, MONDO:0100228.

Allele frequency attached by ClinVar (database versions not stated): gnomAD exomes below 0.00001.
gnomAD v4.1: 1 of 1,613,672 alleles (0.000062%); highest among the groups gnomAD compares: Non-Finnish European, 0.000085%; no homozygotes.

Submission:

Labcorp Genetics (formerly Invitae), Labcorp
Classification: Uncertain significance for LAMA2-related muscular dystrophy. Last evaluated: 2020-04-06. Review status: criteria provided, single submitter. Criteria: Invitae Variant Classification Sherloc (09022015). Collection method: clinical testing. Allele origin: germline.
Comment: Algorithms developed to predict the effect of missense changes on protein structure and function are either unavailable or do not agree on the potential impact of this missense change (SIFT: "Tolerated"; PolyPhen-2: "Probably Damaging"; Align-GVGD: "Class C0"). In summary, the available evidence is currently insufficient to determine the role of this variant in disease. Therefore, it has been classified as a Variant of Uncertain Significance. This variant has not been reported in the literature in individuals with LAMA2-related conditions. This variant is not present in population databases (ExAC no frequency). This sequence change replaces alanine with threonine at codon 1696 of the LAMA2 protein (p.Ala1696Thr). The alanine residue is moderately conserved and there is a small physicochemical difference between alanine and threonine.